The following is an entry in ClinVar:

NM_006231.4(POLE):c.1020+10T>C

Gene: POLE (DNA polymerase epsilon, catalytic subunit; minus strand). Cytogenetic location: 12q24.33.
Variant type: single nucleotide variant.
Coding change: c.1020+10T>C on transcript NM_006231.4 (MANE Select); 10 bases into the intron after coding-DNA position 1020, T replaced by C.
Molecular consequence: intron variant.
Genome position (GRCh38, 1-based): chr12:132,676,084, A>G on the plus strand (T>C on the coding strand, the complement: POLE is on the minus strand). VCF-style: chr12-132676084-A-G. GRCh37 (hg19) VCF-style: chr12-133252670-A-G.
Identifiers: ClinVar variation 1106343 (VCV001106343.10), dbSNP rs2136013359, ClinGen allele CA2499221551.

ClinVar aggregate classification (germline): Likely benign. Review status: criteria provided, multiple submitters, no conflicts (2 of 4 stars). 2 submissions from 2 submitters: Likely benign (2). Last evaluated 2025-05-01.

Conditions:
Colorectal cancer, susceptibility to, 12 (CRCS12). Also called: COLORECTAL CANCER, SUSCEPTIBILITY TO, ON CHROMOSOME 12q24. Identifiers: Orphanet 220460, MedGen C3554460, MONDO:0014038, OMIM 615083.

Submissions (2):

Labcorp Genetics (formerly Invitae), Labcorp
Classification: Likely benign. Last evaluated: 2025-05-01. Review status: criteria provided, single submitter. Criteria: Invitae Variant Classification Sherloc (09022015). Collection method: clinical testing. Allele origin: germline.

Myriad Genetics, Inc.
Classification: Likely benign for Colorectal cancer, susceptibility to, 12. Last evaluated: 2025-02-10. Review status: criteria provided, single submitter. Criteria: Myriad Autosomal Dominant, Autosomal Recessive and X-Linked Classification Criteria (2023). Collection method: clinical testing. Allele origin: unknown.
Comment: This variant is considered likely benign. This variant is intronic and is not expected to impact mRNA splicing.